The following is an entry in ClinVar:

ClinVar aggregate classification (germline): Uncertain significance (1 of 4 stars; one submission).

Submission:

Labcorp Genetics (formerly Invitae), Labcorp
Classification: Uncertain significance. Last evaluated: 2025-08-15. Review status: criteria provided, single submitter. Criteria: Invitae Variant Classification Sherloc (09022015). Collection method: clinical testing. Allele origin: germline.
Comment: This sequence change affects a donor splice site in intron 27 of the COL9A2 gene. Variants that disrupt the donor or acceptor splice site typically lead to a loss of protein function (PMID:16199547), however it is unknown whether splice variants in this region will result in a loss of function. This variant is not present in population databases (gnomAD no frequency). This variant has not been reported in the literature in individuals affected with COL9A2-related conditions. Algorithms developed to predict the effect of sequence changes on RNA splicing suggest that this variant may disrupt the consensus splice site. In summary, the available evidence is currently insufficient to determine the role of this variant in disease. Therefore, it has been classified as a Variant of Uncertain Significance.

Literature cited by the submitters: PubMed 16199547.

NM_001852.4(COL9A2):c.1401+2T>C

Gene: COL9A2 (collagen type IX alpha 2 chain; minus strand). Cytogenetic location: 1p34.2.
Variant type: single nucleotide variant.
Coding change: c.1401+2T>C on transcript NM_001852.4 (MANE Select); the canonical splice donor site of the intron after coding-DNA position 1401, T replaced by C.
Molecular consequence: splice donor variant.
Genome position (GRCh38, 1-based): chr1:40,303,805, A>G on the plus strand (T>C on the coding strand, the complement: COL9A2 is on the minus strand). VCF-style: chr1-40303805-A-G. GRCh37 (hg19) VCF-style: chr1-40769477-A-G.
Identifiers: ClinVar variation 4723230 (VCV004723230.1).